The following is an entry in ClinVar:

ClinVar aggregate classification (germline): Uncertain significance (1 of 4 stars; one submission).

Conditions:
Aicardi-Goutieres syndrome 6 (AGS6). Identifiers: Orphanet 51, MedGen C3539013, MONDO:0014007, OMIM 615010.
Symmetrical dyschromatosis of extremities (DSH). Also called: DYSCHROMATOSIS SYMMETRICA HEREDITARIA 1; RETICULATE ACROPIGMENTATION OF DOHI; SYMMETRIC DYSCHROMATOSIS OF THE EXTREMITIES; Dyschromatosis symmetrica hereditaria. Identifiers: Orphanet 41, MedGen C0406775, MONDO:0007483, OMIM 127400.

Submission:

Labcorp Genetics (formerly Invitae), Labcorp
Classification: Uncertain significance for Aicardi-Goutieres syndrome 6; Symmetrical dyschromatosis of extremities. Last evaluated: 2021-10-10. Review status: criteria provided, single submitter. Criteria: Invitae Variant Classification Sherloc (09022015). Collection method: clinical testing. Allele origin: germline.
Comment: This variant is not present in population databases (ExAC no frequency). In summary, the available evidence is currently insufficient to determine the role of this variant in disease. Therefore, it has been classified as a Variant of Uncertain Significance. Algorithms developed to predict the effect of missense changes on protein structure and function are either unavailable or do not agree on the potential impact of this missense change (SIFT: "Deleterious"; PolyPhen-2: "Probably Damaging"; Align-GVGD: "Class C0"). This variant has not been reported in the literature in individuals affected with ADAR-related conditions. This sequence change replaces alanine with glutamic acid at codon 673 of the ADAR protein (p.Ala673Glu). The alanine residue is highly conserved and there is a moderate physicochemical difference between alanine and glutamic acid.

NM_001111.5(ADAR):c.2018C>A (p.Ala673Glu)

Gene: ADAR (adenosine deaminase RNA specific; minus strand). Cytogenetic location: 1q21.3.
Variant type: single nucleotide variant.
Coding change: c.2018C>A on transcript NM_001111.5 (MANE Select); coding-DNA position 2018, C replaced by A.
Protein change: p.Ala673Glu; replaces alanine 673 with glutamic acid.
Molecular consequence: missense variant.
Genome position (GRCh38, 1-based): chr1:154,597,184, G>T on the plus strand (C>A on the coding strand, the complement: ADAR is on the minus strand). VCF-style: chr1-154597184-G-T. GRCh37 (hg19) VCF-style: chr1-154569660-G-T.
Other names: c.1133C>A, p.Ala378Glu (NM_001025107.3, NM_001193495.2, NM_001365046.1 and 3 more transcripts); c.2045C>A, p.Ala682Glu (NM_001365045.1); c.2018C>A, p.Ala673Glu (NM_015840.4, NM_015841.4); short protein forms A378E, A673E, A682E.
Identifiers: ClinVar variation 1523979 (VCV001523979.6), dbSNP rs2101620970, ClinGen allele CA342638210.